The following is an entry in ClinVar:

NM_139027.6(ADAMTS13):c.2508T>C (p.Asp836=)

Gene: ADAMTS13 (ADAM metallopeptidase with thrombospondin type 1 motif 13; plus strand). Cytogenetic location: 9q34.2.
Variant type: single nucleotide variant.
Coding change: c.2508T>C on transcript NM_139027.6 (MANE Select); coding-DNA position 2508, T replaced by C.
Protein change: p.Asp836=; no amino-acid change (aspartic acid 836 retained).
Molecular consequence: synonymous variant. On other transcripts: non-coding transcript variant (1).
Genome position (GRCh38, 1-based): chr9:133,444,950, T>C. VCF-style: chr9-133444950-T-C. GRCh37 (hg19) VCF-style: chr9-136310071-T-C.
Other names: p.Asp836=; c.2508T>C, p.Asp836= (NM_139025.5); c.2415T>C, p.Asp805= (NM_139026.6).
Identifiers: ClinVar variation 262435 (VCV000262435.17), dbSNP rs36221472, ClinGen allele CA10587038.

ClinVar aggregate classification (germline): Benign/Likely benign. Review status: criteria provided, multiple submitters, no conflicts (2 of 4 stars). 4 submissions from 4 submitters: Benign (2); Likely benign (2). Last evaluated 2026-01-28.

Allele frequency attached by ClinVar (database versions not stated): gnomAD exomes 0.00126 and 0.00346; ExAC 0.00433; gnomAD 0.01324 and 0.01405; TOPMed 0.01459; 1000 Genomes Project 0.01478; ESP Exome Variant Server 0.01492; 1000 Genomes Project 30x 0.01655.
gnomAD v4.1: 3,920 of 1,613,472 alleles (0.24%); highest among the groups gnomAD compares: African/African-American, 4.5%; 92 homozygotes.

Submissions (4):

Labcorp Genetics (formerly Invitae), Labcorp
Classification: Benign. Last evaluated: 2026-01-28. Review status: criteria provided, single submitter. Criteria: Invitae Variant Classification Sherloc (09022015). Collection method: clinical testing. Allele origin: germline.

Mayo Clinic Laboratories, Mayo Clinic
Classification: Likely benign. Last evaluated: 2023-10-16. Review status: criteria provided, single submitter. Criteria: ACMG Guidelines, 2015. Collection method: clinical testing. Allele origin: germline. Observed: 86 variant alleles.
Comment: BS1, BP4, BP7

Breakthrough Genomics
Classification: Likely benign. Review status: criteria provided, single submitter. Criteria: ACMG Guidelines, 2015. Collection method: not provided. Allele origin: germline. Inheritance: Autosomal recessive inheritance. Affected: yes.

PreventionGenetics, part of Exact Sciences
Classification: Benign. Review status: criteria provided, single submitter. Criteria: ACMG Guidelines, 2015. Collection method: clinical testing. Allele origin: germline.

Literature cited by the submitters: PubMed 21843064 (cited by Mayo Clinic Laboratories, Mayo Clinic); PubMed 35667091 (cited by Mayo Clinic Laboratories, Mayo Clinic).